The following is an entry in ClinVar:

ClinVar aggregate classification (germline): Pathogenic (0 of 4 stars; one submission).

Conditions:
Mucolipidosis type II. Also called: Mucolipidosis 2; ML 2; Inclusion cell disease; Leroy Disease; N-acetylglucosamine 1phosphotransferase deficiency; ML disorder type 2. Identifiers: Orphanet 576, MedGen C2673377, MONDO:0009650, OMIM 252500.

Submission:

GeneReviews
Classification: Pathogenic for Mucolipidosis II. Last evaluated: 2012-05-10. Review status: no assertion criteria provided. Collection method: curation. Allele origin: unknown.
ClinVar note: Converted during submission from pathologic to Pathogenic.

NM_024312.4(GNPTAB):c.118-?_203+?dup86

Gene: GNPTAB (N-acetylglucosamine-1-phosphate transferase subunits alpha and beta; minus strand). Cytogenetic location: 12q23.2.
Variant type: Duplication.
Coding change: c.118-?_203+?dup86 on transcript NM_024312.4.
Identifiers: ClinVar variation 39023 (VCV000039023.4), ClinGen allele CA343337.